The following is an entry in ClinVar:

ClinVar aggregate classification (germline): Likely benign (0 of 4 stars; one submission).

Conditions:
IDS-related disorder. Also called: IDS-related condition.

Allele frequency attached by ClinVar (database versions not stated): gnomAD exomes below 0.00001.
gnomAD v4.1: 1 of 1,210,950 alleles (0.000083%); highest among the groups gnomAD compares: African/African-American, 0.0017%; no homozygotes.

Submission:

PreventionGenetics, part of Exact Sciences
Classification: Likely benign for IDS-related condition. Last evaluated: 2020-05-18. Review status: no assertion criteria provided. Collection method: clinical testing. Allele origin: germline.
Comment: This variant is classified as likely benign based on ACMG/AMP sequence variant interpretation guidelines (Richards et al. 2015 PMID: 25741868, with internal and published modifications).

NM_000202.8(IDS):c.*1G>C

Gene: IDS (iduronate 2-sulfatase; minus strand). Cytogenetic location: Xq28.
Variant type: single nucleotide variant.
Coding change: c.*1G>C on transcript NM_000202.8 (MANE Select); 1 bases downstream of the stop codon, G replaced by C.
Molecular consequence: 3 prime UTR variant.
Genome position (GRCh38, 1-based): chrX:149,482,745, C>G on the plus strand (G>C on the coding strand, the complement: IDS is on the minus strand). VCF-style: chrX-149482745-C-G. GRCh37 (hg19) VCF-style: chrX-148564276-C-G.
Other names: c.*1G>C (NM_001166550.4).
Identifiers: ClinVar variation 3050991 (VCV003050991.2), dbSNP rs2089302571, ClinGen allele CA2465003915.